The following is an entry in ClinVar:

ClinVar aggregate classification (germline): Uncertain significance (1 of 4 stars; one submission).

Conditions:
Usher syndrome type 3B. Also called: USHER SYNDROME, TYPE IIIB. Identifiers: MedGen C3281066, MONDO:0013788, OMIM 614504.

Submission:

Labcorp Genetics (formerly Invitae), Labcorp
Classification: Uncertain significance for Usher syndrome type 3B. Last evaluated: 2022-02-06. Review status: criteria provided, single submitter. Criteria: Invitae Variant Classification Sherloc (09022015). Collection method: clinical testing. Allele origin: germline.
Comment: In summary, the available evidence is currently insufficient to determine the role of this variant in disease. Therefore, it has been classified as a Variant of Uncertain Significance. This variant has not been reported in the literature in individuals affected with HARS-related conditions. This variant is not present in population databases (gnomAD no frequency). This sequence change replaces leucine, which is neutral and non-polar, with glutamine, which is neutral and polar, at codon 279 of the HARS protein (p.Leu279Gln). Algorithms developed to predict the effect of missense changes on protein structure and function are either unavailable or do not agree on the potential impact of this missense change (SIFT: "Tolerated"; PolyPhen-2: "Possibly Damaging"; Align-GVGD: "Class C0"). Algorithms developed to predict the effect of sequence changes on RNA splicing suggest that this variant may create or strengthen a splice site.

NM_002109.6(HARS1):c.836T>A (p.Leu279Gln)

Gene: HARS1 (histidyl-tRNA synthetase 1; minus strand). Cytogenetic location: 5q31.3.
Variant type: single nucleotide variant.
Coding change: c.836T>A on transcript NM_002109.6 (MANE Select); coding-DNA position 836, T replaced by A.
Protein change: p.Leu279Gln; replaces leucine 279 with glutamine.
Molecular consequence: missense variant.
Genome position (GRCh38, 1-based): chr5:140,677,104, A>T on the plus strand (T>A on the coding strand, the complement: HARS1 is on the minus strand). VCF-style: chr5-140677104-A-T. GRCh37 (hg19) VCF-style: chr5-140056689-A-T.
Other names: c.716T>A, p.Leu239Gln (NM_001258040.3); c.776T>A, p.Leu259Gln (NM_001258041.3); c.656T>A, p.Leu219Gln (NM_001258042.3); c.614T>A, p.Leu205Gln (NM_001289092.2); c.494T>A, p.Leu165Gln (NM_001289093.2); c.749T>A, p.Leu250Gln (NM_001289094.2); short protein forms L219Q, L279Q, L239Q, L250Q, L259Q, L165Q, L205Q.
Identifiers: ClinVar variation 1923929 (VCV001923929.5), dbSNP rs2481249988, ClinGen allele CA361253441.